The following is an entry in ClinVar:

NM_001370259.2(MEN1):c.1351-2A>G

Gene: MEN1 (menin 1; minus strand). Cytogenetic location: 11q13.1.
Variant type: single nucleotide variant.
Coding change: c.1351-2A>G on transcript NM_001370259.2 (MANE Select); the canonical splice acceptor site of the intron before coding-DNA position 1351, A replaced by G.
Molecular consequence: splice acceptor variant.
Genome position (GRCh38, 1-based): chr11:64,804,818, T>C on the plus strand (A>G on the coding strand, the complement: MEN1 is on the minus strand). VCF-style: chr11-64804818-T-C. GRCh37 (hg19) VCF-style: chr11-64572290-T-C.
Other names: c.1366-2A>G (NM_130804.3, NM_130803.3, NM_000244.4 and 4 more transcripts); c.1246-2A>G (NM_001407148.1, NM_001407149.1, NM_001370263.2 and 1 more transcripts); c.1351-2A>G (NM_130799.3, NM_001370260.2, NM_001407146.1 and 2 more transcripts); c.1477-2A>G (NM_001407144.1, NM_001370251.2, NM_001407142.1 and 1 more transcripts); c.1372-2A>G (NM_001407151.1); c.1186-2A>G (NM_001407152.1); c.1492-2A>G (NM_001407150.1).
Identifiers: ClinVar variation 403832 (VCV000403832.9), dbSNP rs1060499986, ClinGen allele CA16613456.

ClinVar aggregate classification (germline): Pathogenic. Review status: criteria provided, multiple submitters, no conflicts (2 of 4 stars). 2 submissions from 2 submitters: Pathogenic (2). Last evaluated 2026-01-27.

Conditions:
Multiple endocrine neoplasia, type 1 (MEN1). Also called: MEN I; WERMER SYNDROME; Endocrine adenomatosis multiple; MEN 1; MEA I. Identifiers: Orphanet 652, MedGen C0025267, MeSH D018761, MONDO:0007540, OMIM 131100.

Submissions (2):

Women's Health and Genetics/Laboratory Corporation of America, LabCorp
Classification: Pathogenic for Multiple endocrine neoplasia, type 1. Last evaluated: 2026-01-27. Review status: criteria provided, single submitter. Criteria: LabCorp Variant Classification Summary - May 2015. Collection method: clinical testing. Allele origin: germline.
Comment: Variant summary: MEN1 c.1351-2A>G is located in a canonical splice-site and is predicted to affect mRNA splicing resulting in a significantly altered protein due to either exon skipping, shortening, or inclusion of intronic material. Variants that disrupt the consensus splice site are a relatively common cause of aberrant splicing and loss of MEN1 function. Several computational tools predict a significant impact on normal splicing: Five predict the variant abolishes a 3' acceptor site. However, these predictions have yet to be confirmed by functional studies. The variant was absent in 229140 control chromosomes. c.1351-2A>G has been observed in individuals affected with Multiple Endocrine Neoplasia Type 1 (e.g. Backman_2020, Pierotti_2023, Brautigam_2024, Internal data). These data indicate that the variant is likely to be associated with disease. To our knowledge, no experimental evidence demonstrating an impact on protein function has been reported. The following publications have been ascertained in the context of this evaluation (PMID: 31658439, 38244045, 37484956). ClinVar contains an entry for this variant (Variation ID: 403832). Based on the evidence outlined above, the variant was classified as pathogenic.

Labcorp Genetics (formerly Invitae), Labcorp
Classification: Pathogenic for Multiple endocrine neoplasia, type 1. Last evaluated: 2021-09-10. Review status: criteria provided, single submitter. Criteria: Invitae Variant Classification Sherloc (09022015). Collection method: clinical testing. Allele origin: germline.
Comment: This sequence change affects an acceptor splice site in intron 9 of the MEN1 gene. While this variant is not anticipated to result in nonsense mediated decay, it likely alters RNA splicing and results in a disrupted protein product. This variant is not present in population databases (ExAC no frequency). Disruption of this splice site has been observed in individuals with clinical features of multiple endocrine neoplasia type 1 (PMID: 10617276, 31658439; Invitae). ClinVar contains an entry for this variant (Variation ID: 403832). Nucleotide substitutions within the consensus splice site are a relatively common cause of aberrant splicing (PMID: 17576681, 9536098). Algorithms developed to predict the effect of sequence changes on RNA splicing suggest that this variant may disrupt the consensus splice site. For these reasons, this variant has been classified as Pathogenic.

Literature cited by the submitters: PubMed 31658439 (cited by Women's Health and Genetics/Laboratory Corporation of America, LabCorp and Labcorp Genetics (formerly Invitae), Labcorp); PubMed 37484956 (cited by Women's Health and Genetics/Laboratory Corporation of America, LabCorp); PubMed 38244045 (cited by Women's Health and Genetics/Laboratory Corporation of America, LabCorp); PubMed 10617276 (cited by Labcorp Genetics (formerly Invitae), Labcorp); PubMed 17576681 (cited by Labcorp Genetics (formerly Invitae), Labcorp); PubMed 9536098 (cited by Labcorp Genetics (formerly Invitae), Labcorp).